The following is an entry in ClinVar:

NM_020631.6(PLEKHG5):c.33T>C (p.Leu11=)

Genes: PLEKHG5 (pleckstrin homology and RhoGEF domain containing G5; minus strand), LOC126805598 (MED14-independent group 3 enhancer GRCh37_chr1:6536823-6538022; plus strand). Cytogenetic location: 1p36.31.
Variant type: single nucleotide variant.
Coding change: c.33T>C on transcript NM_020631.6 (MANE Select); coding-DNA position 33, T replaced by C.
Protein change: p.Leu11=; no amino-acid change (leucine 11 retained).
Molecular consequence: synonymous variant.
Genome position (GRCh38, 1-based): chr1:6,477,539, A>G on the plus strand (T>C on the coding strand, the complement: PLEKHG5 is on the minus strand). VCF-style: chr1-6477539-A-G. GRCh37 (hg19) VCF-style: chr1-6537599-A-G.
Other names: c.144T>C, p.Leu48= (NM_001042663.3, NM_001265592.2); c.33T>C, p.Leu11= (NM_001042664.2, NM_001042665.2, NM_001265594.3 and 1 more transcripts); c.240T>C, p.Leu80= (NM_001265593.2).
Identifiers: ClinVar variation 297978 (VCV000297978.66), dbSNP rs144859183, ClinGen allele CA562039.

ClinVar aggregate classification (germline): Conflicting classifications of pathogenicity. Review status: criteria provided, conflicting classifications (1 of 4 stars). 7 submissions from 7 submitters: Uncertain significance (1); Likely benign (6). Last evaluated 2026-09-01.

Conditions:
PLEKHG5-related disorder. Also called: PLEKHG5-related condition.
Inborn genetic diseases. Identifiers: MedGen C0950123, MeSH D030342.
Neuronopathy, distal hereditary motor, autosomal recessive 4. Also called: NEUROPATHY, DISTAL HEREDITARY MOTOR, AUTOSOMAL RECESSIVE 4; Autosomal recessive lower motor neuron disease with childhood onset. Identifiers: Orphanet 206580, MedGen C1970211, MONDO:0012608, OMIM 611067.
Charcot-Marie-Tooth disease recessive intermediate C. Also called: CHARCOT-MARIE-TOOTH NEUROPATHY, RECESSIVE INTERMEDIATE C. Identifiers: Orphanet 369867, MedGen C3809309, MONDO:0014154, OMIM 615376.

Allele frequency attached by ClinVar (database versions not stated): TOPMed 0.00024; gnomAD exomes 0.00033 and 0.00042; ExAC 0.00037; gnomAD 0.00039 and 0.00041; ESP Exome Variant Server 0.00046.
gnomAD v4.1: 668 of 1,611,516 alleles (0.041%); highest among the groups gnomAD compares: Non-Finnish European, 0.052%; 2 homozygotes.

Submissions (7):

CeGaT Center for Human Genetics Tuebingen
Classification: Likely benign. Last evaluated: 2026-09-01. Review status: criteria provided, single submitter. Criteria: CeGaT Center For Human Genetics Tuebingen Variant Classification Criteria Version 2. Collection method: clinical testing. Allele origin: germline. Affected: yes. Observed: 5 variant alleles.
Comment: PLEKHG5: BP4, BP7

Labcorp Genetics (formerly Invitae), Labcorp
Classification: Likely benign for Neuronopathy, distal hereditary motor, autosomal recessive 4; Charcot-Marie-Tooth disease recessive intermediate C. Last evaluated: 2026-01-16. Review status: criteria provided, single submitter. Criteria: Invitae Variant Classification Sherloc (09022015). Collection method: clinical testing. Allele origin: germline.

PreventionGenetics, part of Exact Sciences
Classification: Likely benign for PLEKHG5-related condition. Last evaluated: 2025-07-23. Review status: criteria provided, single submitter. Criteria: ACMG Guidelines, 2015. Collection method: clinical testing. Allele origin: germline.
Comment: This variant is classified as likely benign based on ACMG/AMP sequence variant interpretation guidelines (Richards et al. 2015 PMID: 25741868, with internal and published modifications).

Laboratory of Genetics, Children's Clinical University Hospital Latvia
Classification: Likely benign. Last evaluated: 2025-02-16. Review status: criteria provided, single submitter. Criteria: ACMG Guidelines, 2015. Collection method: clinical testing. Allele origin: germline. Affected: yes.

GeneDx
Classification: Likely benign. Last evaluated: 2021-05-27. Review status: criteria provided, single submitter. Criteria: GeneDx Variant Classification Process June 2021. Collection method: clinical testing. Allele origin: germline. Affected: yes.

Ambry Genetics
Classification: Likely benign for Inborn genetic diseases. Last evaluated: 2019-07-11. Review status: criteria provided, single submitter. Criteria: Ambry Variant Classification Scheme 2023. Collection method: clinical testing. Allele origin: germline.

Illumina Laboratory Services, Illumina
Classification: Uncertain significance for Neuronopathy, distal hereditary motor, autosomal recessive 4. Last evaluated: 2018-01-13. Review status: criteria provided, single submitter. Criteria: ICSL Variant Classification Criteria 13 December 2019. Collection method: clinical testing. Allele origin: germline.